The following is an entry in ClinVar:

ClinVar aggregate classification (germline): Uncertain significance (1 of 4 stars; one submission).

Allele frequency attached by ClinVar (database versions not stated): gnomAD 0.00001; ExAC 0.00002; gnomAD exomes 0.00002; TOPMed 0.00002.
gnomAD v4.1: 13 of 1,614,052 alleles (0.00081%); highest among the groups gnomAD compares: Admixed American, 0.022%; no homozygotes.

Submission:

Labcorp Genetics (formerly Invitae), Labcorp
Classification: Uncertain significance. Last evaluated: 2025-12-27. Review status: criteria provided, single submitter. Criteria: Invitae Variant Classification Sherloc (09022015). Collection method: clinical testing. Allele origin: germline.
Comment: This sequence change replaces proline, which is neutral and non-polar, with alanine, which is neutral and non-polar, at codon 230 of the RNF31 protein (p.Pro230Ala). This variant is present in population databases (rs780425900, gnomAD 0.02%). This variant has not been reported in the literature in individuals affected with RNF31-related conditions. ClinVar contains an entry for this variant (Variation ID: 2981495). An algorithm developed to predict the effect of missense changes on protein structure and function (PolyPhen-2) suggests that this variant is likely to be tolerated. In summary, the available evidence is currently insufficient to determine the role of this variant in disease. Therefore, it has been classified as a Variant of Uncertain Significance.

NM_017999.5(RNF31):c.688C>G (p.Pro230Ala)

Gene: RNF31 (ring finger protein 31; plus strand). Cytogenetic location: 14q12.
Variant type: single nucleotide variant.
Coding change: c.688C>G on transcript NM_017999.5 (MANE Select); coding-DNA position 688, C replaced by G.
Protein change: p.Pro230Ala; replaces proline 230 with alanine.
Molecular consequence: missense variant.
Genome position (GRCh38, 1-based): chr14:24,149,462, C>G. VCF-style: chr14-24149462-C-G. GRCh37 (hg19) VCF-style: chr14-24618671-C-G.
Other names: c.235C>G, p.Pro79Ala (NM_001310332.2); short protein forms P230A, P79A.
Identifiers: ClinVar variation 2981495 (VCV002981495.3), dbSNP rs780425900, ClinGen allele CA7125595.